The following is an entry in ClinVar:

ClinVar aggregate classification (germline): Uncertain significance (1 of 4 stars; one submission).

Allele frequency attached by ClinVar (database versions not stated): TOPMed below 0.00001; ExAC 0.00001.
gnomAD v4.1: 2 of 1,614,020 alleles (0.00012%); highest among the groups gnomAD compares: South Asian, 0.0011%; no homozygotes.

Submission:

Labcorp Genetics (formerly Invitae), Labcorp
Classification: Uncertain significance. Last evaluated: 2022-08-22. Review status: criteria provided, single submitter. Criteria: Invitae Variant Classification Sherloc (09022015). Collection method: clinical testing. Allele origin: germline.
Comment: In summary, the available evidence is currently insufficient to determine the role of this variant in disease. Therefore, it has been classified as a Variant of Uncertain Significance. Algorithms developed to predict the effect of missense changes on protein structure and function are either unavailable or do not agree on the potential impact of this missense change (SIFT: "Deleterious"; PolyPhen-2: "Probably Damaging"; Align-GVGD: "Class C0"). ClinVar contains an entry for this variant (Variation ID: 960639). This variant has not been reported in the literature in individuals affected with RIMS1-related conditions. This variant is not present in population databases (gnomAD no frequency). This sequence change replaces aspartic acid, which is acidic and polar, with tyrosine, which is neutral and polar, at codon 126 of the RIMS1 protein (p.Asp126Tyr).

NM_014989.7(RIMS1):c.376G>T (p.Asp126Tyr)

Gene: RIMS1 (regulating synaptic membrane exocytosis 1; plus strand). Cytogenetic location: 6q13.
Variant type: single nucleotide variant.
Coding change: c.376G>T on transcript NM_014989.7 (MANE Select); coding-DNA position 376, G replaced by T.
Protein change: p.Asp126Tyr; replaces aspartic acid 126 with tyrosine.
Molecular consequence: missense variant.
Genome position (GRCh38, 1-based): chr6:72,097,079, G>T. VCF-style: chr6-72097079-G-T. GRCh37 (hg19) VCF-style: chr6-72806782-G-T.
Other names: c.373G>T, p.Asp125Tyr (NM_001350411.1); c.295G>T, p.Asp99Tyr (NM_001350412.1); c.376G>T, p.Asp126Tyr (NM_001350413.1); short protein forms D126Y, D125Y, D99Y.
Identifiers: ClinVar variation 960639 (VCV000960639.9), dbSNP rs762416777, ClinGen allele CA3885465.
Genomic context (GRCh38, chr6:72,097,079, plus strand): 5'-CAGGGCGAGCACAAAGACGATGCTCCGACTTGTGGAATCTGTCATAAAACAAAGTTTGCT[G>T]ATGGGTGCGGTCATCTCTGCTCCTATTGTCGCACTAAGTTCTGTGCGCGCTGCGGAGGCC-3'
Protein context (NP_055804.2, residues 116-136): CGICHKTKFA[Asp126Tyr]GCGHLCSYCR